The following is an entry in ClinVar:

NM_000138.5(FBN1):c.3493C>T (p.Leu1165=)

Gene: FBN1 (fibrillin 1; minus strand). Cytogenetic location: 15q21.1.
Variant type: single nucleotide variant.
Coding change: c.3493C>T on transcript NM_000138.5 (MANE Select); coding-DNA position 3493, C replaced by T.
Protein change: p.Leu1165=; no amino-acid change (leucine 1165 retained).
Molecular consequence: synonymous variant.
Genome position (GRCh38, 1-based): chr15:48,487,171, G>A on the plus strand (C>T on the coding strand, the complement: FBN1 is on the minus strand). VCF-style: chr15-48487171-G-A. GRCh37 (hg19) VCF-style: chr15-48779368-G-A.
Identifiers: ClinVar variation 925254 (VCV000925254.6), dbSNP rs2043515081, ClinGen allele CA490017994.

ClinVar aggregate classification (germline): Likely benign. Review status: criteria provided, multiple submitters, no conflicts (2 of 4 stars). 3 submissions from 3 submitters: Likely benign (3). Last evaluated 2025-01-29.

Conditions:
Familial thoracic aortic aneurysm and aortic dissection (TAAD). Also called: Thoracic aortic aneurysms and dissections. Identifiers: Orphanet 91387, MedGen C4707243, MONDO:0019625.
Marfan syndrome (MFS). Also called: Marfan syndrome, classic; Marfan syndrome type 1; Marfan's syndrome; FBN1-Related Marfan Syndrome; MARFAN SYNDROME, TYPE I. Identifiers: Orphanet 284963, Orphanet 558, MedGen C0024796, MONDO:0007947, OMIM 154700.

Allele frequency attached by ClinVar (database versions not stated): gnomAD exomes 0.00001.
gnomAD v4.1: 8 of 1,614,186 alleles (0.0005%); highest among the groups gnomAD compares: Non-Finnish European, 0.00068%; no homozygotes.

Submissions (3):

Labcorp Genetics (formerly Invitae), Labcorp
Classification: Likely benign for Marfan syndrome; Familial thoracic aortic aneurysm and aortic dissection. Last evaluated: 2025-01-29. Review status: criteria provided, single submitter. Criteria: Invitae Variant Classification Sherloc (09022015). Collection method: clinical testing. Allele origin: germline.

All of Us Research Program, National Institutes of Health
Classification: Likely benign for Marfan syndrome. Last evaluated: 2024-04-16. Review status: criteria provided, single submitter. Criteria: ACMG Guidelines, 2015. Collection method: clinical testing. Allele origin: germline. Inheritance: Autosomal dominant inheritance. Observed: 2 variant alleles, 2 heterozygotes.
Comment: This study involves interpretation of variants in research participants for the purpose of population health screening. Participant phenotype was not available at the time of variant classification. Additional details can be found in publication PMID: 35346344, PMCID: PMC8962531

Color Diagnostics, LLC DBA Color Health
Classification: Likely benign for Familial thoracic aortic aneurysm and aortic dissection. Last evaluated: 2019-11-24. Review status: criteria provided, single submitter. Criteria: ACMG Guidelines, 2015. Collection method: clinical testing. Allele origin: germline.